The following is an entry in ClinVar:

ClinVar aggregate classification (germline): Pathogenic. Review status: reviewed by expert panel (3 of 4 stars). 2 submissions from 2 submitters: Pathogenic (1). 1 of the submissions does not count toward it. Last evaluated 2026-08-28.

Conditions:
T-B+ severe combined immunodeficiency due to JAK3 deficiency. Also called: SCID, T CELL-NEGATIVE, B CELL-POSITIVE, NK CELL-NEGATIVE; SCID, autosomal recessive, T-negative/B-positive type. Identifiers: Orphanet 35078, MedGen C1833275, MONDO:0010938, OMIM 600802.

Allele frequency attached by ClinVar (database versions not stated): gnomAD exomes below 0.00001; ExAC 0.00001; gnomAD 0.00002; TOPMed 0.00002.
gnomAD v4.1: 5 of 1,613,786 alleles (0.00031%); highest among the groups gnomAD compares: African/African-American, 0.0053%; no homozygotes.

Submissions (3):

ClinGen Severe Combined Immunodeficiency Variant Curation Expert Panel, ClinGen
Classification: Pathogenic for T-B+ severe combined immunodeficiency due to JAK3 deficiency. Last evaluated: 2026-08-28. Review status: reviewed by expert panel. Criteria: ClinGen SCID ACMG Specifications JAK3 V2.3. Collection method: curation. Allele origin: germline. Inheritance: Autosomal recessive inheritance.
Comment: NM_000215.4(JAK3):c.2350G>A is a variant predicted to cause the substitution of aspartic acid with asparagine at amino acid 784 (p.Asp784Asn); however, functional studies demonstrate this variant instead acts as a splice-altering variant. c.2350G>A sits at the last nucleotide of exon 17 and was functionally confirmed to disrupt splicing, resulting in skipping of exon 17, as demonstrated by RT-PCR and Sanger sequencing of the resulting cDNA. Exon 17 lies within the functionally important JH1 catalytic kinase domain. Additionally, the out-of-frame deletion of exon 17 introduces a frameshift (p.Asp784Asnfs*60) predicted to undergo NMD (PVS1; PMID: 30177960). The grpmax filtering allele frequency of this variant is 0.00001747 in gnomAD v4.1.1, which is below the ClinGen SCID VCEP threshold (<0.000115) for PM2_Supporting, and no homozygotes have been observed. This variant therefore meets PM2_Supporting. A total of 1.5 points meets the PM3 threshold. At least one SCID patient (PMID: 30177960) underwent SCID panel/whole-exome sequencing, which identified this JAK3 variant in the homozygous state with no alternative explanation (1.0 point). A total of 2.5 points were assigned, meeting the PP4_Moderate criterion. In summary, this variant meets the criteria for classification as Pathogenic for autosomal recessive severe combined immunodeficiency due to JAK3 deficiency, based on the ACMG/AMP criteria as specified by the ClinGen SCID VCEP: PVS1, PM3, PP4_Moderate, PM2_Supporting (VCEP specifications version 2.3.0).

Labcorp Genetics (formerly Invitae), Labcorp
Classification: Pathogenic for T-B+ severe combined immunodeficiency due to JAK3 deficiency. Last evaluated: 2023-09-19. Review status: criteria provided, single submitter. Criteria: Invitae Variant Classification Sherloc (09022015). Collection method: clinical testing. Allele origin: germline. Not counted in ClinVar's aggregate classification.
Comment: For these reasons, this variant has been classified as Pathogenic. This variant disrupts the p.Asp784 amino acid residue in JAK3. Other variant(s) that disrupt this residue have been observed in individuals with JAK3-related conditions (PMID: 30177960, 30778343), which suggests that this may be a clinically significant amino acid residue. Variants that disrupt the consensus splice site are a relatively common cause of aberrant splicing (PMID: 17576681, 9536098). Algorithms developed to predict the effect of sequence changes on RNA splicing suggest that this variant may disrupt the consensus splice site. An algorithm developed to predict the effect of missense changes on protein structure and function (PolyPhen-2) suggests that this variant is likely to be disruptive. ClinVar contains an entry for this variant (Variation ID: 2152312). This missense change has been observed in individual(s) with severe combined immunodeficiency (PMID: 30177960; Invitae). This variant is present in population databases (rs760051760, gnomAD 0.004%). This sequence change replaces aspartic acid, which is acidic and polar, with asparagine, which is neutral and polar, at codon 784 of the JAK3 protein (p.Asp784Asn). This variant also falls at the last nucleotide of exon 17, which is part of the consensus splice site for this exon.

Dr. Peter K. Rogan Lab, Western University
No classification provided (evidence only). Condition: Thyroid cancer, nonmedullary, 1. Review status: no classification provided. Collection method: in vitro. Allele origin: not applicable. Functional consequence: skipped exon, retained intron. Not counted in ClinVar's aggregate classification.

Literature cited by the submitters: PubMed 30177960 (cited by Labcorp Genetics (formerly Invitae), Labcorp); PubMed 30778343 (cited by Labcorp Genetics (formerly Invitae), Labcorp); PubMed 17576681 (cited by Labcorp Genetics (formerly Invitae), Labcorp); PubMed 9536098 (cited by Labcorp Genetics (formerly Invitae), Labcorp).

NM_000215.4(JAK3):c.2350G>A (p.Asp784Asn)

Gene: JAK3 (Janus kinase 3; minus strand). Cytogenetic location: 19p13.11.
Variant type: single nucleotide variant.
Coding change: c.2350G>A on transcript NM_000215.4 (MANE Select); coding-DNA position 2350, G replaced by A.
Protein change: p.Asp784Asn; replaces aspartic acid 784 with asparagine.
Molecular consequence: missense variant.
Genome position (GRCh38, 1-based): chr19:17,834,571, C>T on the plus strand (G>A on the coding strand, the complement: JAK3 is on the minus strand). VCF-style: chr19-17834571-C-T. GRCh37 (hg19) VCF-style: chr19-17945380-C-T.
Other names: NM_000215.4(JAK3):c.2350G>A; p.Asp784Asn; short protein forms D784N.
Identifiers: ClinVar variation 2152312 (VCV002152312.7), dbSNP rs760051760, ClinGen allele CA9301624.